The following is an entry in ClinVar:

NM_004444.5(EPHB4):c.1447C>T (p.Arg483Trp)

Gene: EPHB4 (EPH receptor B4; minus strand). Cytogenetic location: 7q22.1.
Variant type: single nucleotide variant.
Coding change: c.1447C>T on transcript NM_004444.5 (MANE Select); coding-DNA position 1447, C replaced by T.
Protein change: p.Arg483Trp; replaces arginine 483 with tryptophan.
Molecular consequence: missense variant.
Genome position (GRCh38, 1-based): chr7:100,817,333, G>A on the plus strand (C>T on the coding strand, the complement: EPHB4 is on the minus strand). VCF-style: chr7-100817333-G-A. GRCh37 (hg19) VCF-style: chr7-100414955-G-A.
Other names: short protein forms R483W.
Identifiers: ClinVar variation 3224269 (VCV003224269.1), dbSNP rs747118805, ClinGen allele CA4392975.

ClinVar aggregate classification (germline): Uncertain significance (1 of 4 stars; one submission).

Conditions:
Cardiovascular phenotype. Identifiers: MedGen CN230736.

Allele frequency attached by ClinVar (database versions not stated): gnomAD exomes 0.00001; gnomAD 0.00002; TOPMed 0.00002.
gnomAD v4.1: 17 of 1,580,658 alleles (0.0011%); highest among the groups gnomAD compares: East Asian, 0.0047%; no homozygotes.

Submission:

Ambry Genetics
Classification: Uncertain significance for Cardiovascular phenotype. Last evaluated: 2023-11-01. Review status: criteria provided, single submitter. Criteria: Ambry Variant Classification Scheme 2023. Collection method: clinical testing. Allele origin: germline.
Comment: The p.R483W variant (also known as c.1447C>T), located in coding exon 8 of the EPHB4 gene, results from a C to T substitution at nucleotide position 1447. The arginine at codon 483 is replaced by tryptophan, an amino acid with dissimilar properties. This amino acid position is conserved. In addition, this alteration is predicted to be deleterious by in silico analysis. Since supporting evidence is limited at this time, the clinical significance of this alteration remains unclear.